The following is an entry in ClinVar:

NM_002519.3(NPAT):c.1906T>C (p.Ser636Pro)

Gene: NPAT (nuclear protein, coactivator of histone transcription; minus strand). Cytogenetic location: 11q22.3.
Variant type: single nucleotide variant.
Coding change: c.1906T>C on transcript NM_002519.3 (MANE Select); coding-DNA position 1906, T replaced by C.
Protein change: p.Ser636Pro; replaces serine 636 with proline.
Molecular consequence: missense variant.
Genome position (GRCh38, 1-based): chr11:108,173,078, A>G on the plus strand (T>C on the coding strand, the complement: NPAT is on the minus strand). VCF-style: chr11-108173078-A-G. GRCh37 (hg19) VCF-style: chr11-108043805-A-G.
Other names: c.1906T>C, p.Ser636Pro (NM_001321307.1); short protein forms S636P.
Identifiers: ClinVar variation 1782401 (VCV001782401.4), dbSNP rs374999685, ClinGen allele CA6263920.
Genomic context (GRCh38, chr11:108,173,078, plus strand): 5'-ACTTGGATGCCTGAGCTTCATTTTCTGTATGATTTAACTCAACAGATGCTGAATCATTAG[A>G]TGGTTGTTTAGTAGAAGACAGCGAATCTCCAAGATGAATTTCTACTTGTCCAGATACATT-3'
Protein context (NP_002510.2, residues 626-646): GDSLSSTKQP[Ser636Pro]NDSASVELNH

ClinVar aggregate classification (germline): Uncertain significance. Review status: criteria provided, multiple submitters, no conflicts (2 of 4 stars). 2 submissions from 2 submitters: Uncertain significance (2). Last evaluated 2025-09-24.

Allele frequency attached by ClinVar (database versions not stated): gnomAD 0.00001; gnomAD exomes below 0.00001; TOPMed below 0.00001; ExAC 0.00001.
gnomAD v4.1: 14 of 1,614,092 alleles (0.00087%); highest among the groups gnomAD compares: East Asian, 0.013%; no homozygotes.

Submissions (2):

Labcorp Genetics (formerly Invitae), Labcorp
Classification: Uncertain significance. Last evaluated: 2025-09-24. Review status: criteria provided, single submitter. Criteria: Invitae Variant Classification Sherloc (09022015). Collection method: clinical testing. Allele origin: germline.
Comment: This sequence change replaces serine, which is neutral and polar, with proline, which is neutral and non-polar, at codon 636 of the NPAT protein (p.Ser636Pro). The frequency data for this variant in the population databases is considered unreliable, as metrics indicate poor data quality at this position in the gnomAD database. This variant has not been reported in the literature in individuals affected with NPAT-related conditions. ClinVar contains an entry for this variant (Variation ID: 1782401). An algorithm developed to predict the effect of missense changes on protein structure and function outputs the following: PolyPhen-2: "Benign". The proline amino acid residue is found in multiple mammalian species, which suggests that this missense change does not adversely affect protein function. In summary, the available evidence is currently insufficient to determine the role of this variant in disease. Therefore, it has been classified as a Variant of Uncertain Significance.

Ambry Genetics
Classification: Uncertain significance. Last evaluated: 2023-07-30. Review status: criteria provided, single submitter. Criteria: Ambry Variant Classification Scheme 2023. Collection method: clinical testing. Allele origin: germline.